The following is an entry in ClinVar:

NM_001355436.2(SPTB):c.539T>C (p.Leu180Pro)

Gene: SPTB (spectrin beta, erythrocytic; minus strand). Cytogenetic location: 14q23.3.
Variant type: single nucleotide variant.
Coding change: c.539T>C on transcript NM_001355436.2 (MANE Select); coding-DNA position 539, T replaced by C.
Protein change: p.Leu180Pro; replaces leucine 180 with proline.
Molecular consequence: missense variant.
Genome position (GRCh38, 1-based): chr14:64,802,253, A>G on the plus strand (T>C on the coding strand, the complement: SPTB is on the minus strand). VCF-style: chr14-64802253-A-G. GRCh37 (hg19) VCF-style: chr14-65268971-A-G.
Other names: c.539T>C, p.Leu180Pro (NM_001024858.4, NM_001355437.2); short protein forms L180P.
Identifiers: ClinVar variation 4722998 (VCV004722998.1).

ClinVar aggregate classification (germline): Uncertain significance (1 of 4 stars; one submission).

Submission:

Labcorp Genetics (formerly Invitae), Labcorp
Classification: Uncertain significance. Last evaluated: 2025-07-09. Review status: criteria provided, single submitter. Criteria: Invitae Variant Classification Sherloc (09022015). Collection method: clinical testing. Allele origin: germline.
Comment: This sequence change replaces leucine, which is neutral and non-polar, with proline, which is neutral and non-polar, at codon 180 of the SPTB protein (p.Leu180Pro). This variant is not present in population databases (gnomAD no frequency). This variant has not been reported in the literature in individuals affected with SPTB-related conditions. An algorithm developed to predict the effect of missense changes on protein structure and function (PolyPhen-2) suggests that this variant is likely to be disruptive. In summary, the available evidence is currently insufficient to determine the role of this variant in disease. Therefore, it has been classified as a Variant of Uncertain Significance.